The following is an entry in ClinVar:

ClinVar aggregate classification (germline): Uncertain significance (1 of 4 stars; one submission).

gnomAD v4.1: 1 of 1,613,122 alleles (0.000062%); highest among the groups gnomAD compares: Non-Finnish European, 0.000085%; no homozygotes.

Submission:

Labcorp Genetics (formerly Invitae), Labcorp
Classification: Uncertain significance. Last evaluated: 2025-09-04. Review status: criteria provided, single submitter. Criteria: Invitae Variant Classification Sherloc (09022015). Collection method: clinical testing. Allele origin: germline.
Comment: This sequence change affects an acceptor splice site in intron 5 of the COL9A3 gene. Variants that disrupt the donor or acceptor splice site typically lead to a loss of protein function (PMID:16199547), however it is unknown whether splice variants in this region will result in a loss of function. This variant is not present in population databases (gnomAD no frequency). This variant has not been reported in the literature in individuals affected with COL9A3-related conditions. Algorithms developed to predict the effect of sequence changes on RNA splicing suggest that this variant may disrupt the consensus splice site. In summary, the available evidence is currently insufficient to determine the role of this variant in disease. Therefore, it has been classified as a Variant of Uncertain Significance.

Literature cited by the submitters: PubMed 16199547.

NM_001853.4(COL9A3):c.310-1G>A

Gene: COL9A3 (collagen type IX alpha 3 chain; plus strand). Cytogenetic location: 20q13.33.
Variant type: single nucleotide variant.
Coding change: c.310-1G>A on transcript NM_001853.4 (MANE Select); the canonical splice acceptor site of the intron before coding-DNA position 310, G replaced by A.
Molecular consequence: splice acceptor variant.
Genome position (GRCh38, 1-based): chr20:62,821,180, G>A. VCF-style: chr20-62821180-G-A. GRCh37 (hg19) VCF-style: chr20-61452532-G-A.
Identifiers: ClinVar variation 4726662 (VCV004726662.1).